The following is an entry in ClinVar:

ClinVar aggregate classification (germline): Conflicting classifications of pathogenicity. Review status: criteria provided, conflicting classifications (1 of 4 stars). 5 submissions from 5 submitters: Uncertain significance (1); Benign (1); Likely benign (3). Last evaluated 2025-06-30.

Conditions:
Hereditary cancer-predisposing syndrome. Also called: Neoplastic Syndromes, Hereditary; Tumor predisposition; Hereditary Cancer Syndrome; Hereditary neoplastic syndrome. Identifiers: Orphanet 140162, MedGen C0027672, MeSH D009386, MONDO:0015356.
Hereditary nonpolyposis colorectal neoplasms. Identifiers: MedGen C0009405, MeSH D003123.
Lynch syndrome. Identifiers: Orphanet 144, MedGen C4552100, MONDO:0005835. Disease mechanism: loss of function.
Lynch syndrome 4 (LYNCH4). Also called: Colorectal cancer, hereditary nonpolyposis, type 4; Hereditary non-polyposis colorectal cancer, type 4. Identifiers: Orphanet 144, MedGen C1838333, MONDO:0013699, OMIM 614337. Disease mechanism: loss of function.

Allele frequency attached by ClinVar (database versions not stated): gnomAD exomes below 0.00001.
gnomAD v4.1: 1 of 1,610,706 alleles (0.000062%); highest among the groups gnomAD compares: Non-Finnish European, 0.000085%; no homozygotes.

Submissions (5):

Color Diagnostics, LLC DBA Color Health
Classification: Likely benign for Hereditary cancer-predisposing syndrome. Last evaluated: 2025-06-30. Review status: criteria provided, single submitter. Criteria: ACMG Guidelines, 2015. Collection method: clinical testing. Allele origin: germline.

Myriad Genetics, Inc.
Classification: Benign for Lynch syndrome 4. Last evaluated: 2025-01-23. Review status: criteria provided, single submitter. Criteria: Myriad Autosomal Dominant, Autosomal Recessive and X-Linked Classification Criteria (2023). Collection method: clinical testing. Allele origin: unknown.
Comment: This variant is considered benign. This variant is a silent/synonymous amino acid change and it is not expected to impact splicing.

Labcorp Genetics (formerly Invitae), Labcorp
Classification: Likely benign for Hereditary nonpolyposis colorectal neoplasms. Last evaluated: 2019-03-13. Review status: criteria provided, single submitter. Criteria: Invitae Variant Classification Sherloc (09022015). Collection method: clinical testing. Allele origin: germline.

University of Washington Department of Laboratory Medicine, University of Washington
Classification: Uncertain significance for Lynch syndrome. Last evaluated: 2018-05-01. Review status: criteria provided, single submitter. Criteria: Shirts BH et al. (Am J Hum Genet 2018). Collection method: clinical testing. Allele origin: somatic. Affected: yes.
Comment: PMS2 NM_000535.5:c.30A>G has a 7.6% probability of pathogenicity based on combining prior probability from public data with a likelihood ratio of 1.56 to 1, generated from evidence of seeing this as a somatic mutation in a tumor without loss of heterozygosity at the PMS2 locus. See Shirts et al 2018, PMID 29887214.

Ambry Genetics
Classification: Likely benign for Hereditary cancer-predisposing syndrome. Last evaluated: 2015-09-06. Review status: criteria provided, single submitter. Criteria: Ambry Variant Classification Scheme 2023. Collection method: clinical testing. Allele origin: germline.

NM_000535.7(PMS2):c.30A>G (p.Glu10=)

Gene: PMS2 (PMS1 homolog 2, mismatch repair system component; minus strand). Cytogenetic location: 7p22.1.
Variant type: single nucleotide variant.
Coding change: c.30A>G on transcript NM_000535.7 (MANE Select); coding-DNA position 30, A replaced by G.
Protein change: p.Glu10=; no amino-acid change (glutamic acid 10 retained).
Molecular consequence: synonymous variant. On other transcripts: 5 prime UTR variant (8), non-coding transcript variant (1), intron variant (3).
Genome position (GRCh38, 1-based): chr7:6,006,025, T>C on the plus strand (A>G on the coding strand, the complement: PMS2 is on the minus strand). VCF-style: chr7-6006025-T-C. GRCh37 (hg19) VCF-style: chr7-6045656-T-C.
Other names: c.-376A>G (NM_001322003.2, NM_001322005.2, NM_001322009.2 and 1 more transcripts); c.30A>G, p.Glu10= (NM_001322006.2, NM_001322014.2); c.-186A>G (NM_001322007.2); c.-855A>G (NM_001322011.2, NM_001322012.2); c.-455A>G (NM_001322015.2); c.-52-1967A>G (NM_001322008.2); c.-242-1967A>G (NM_001322010.2, NM_001322004.2).
Identifiers: ClinVar variation 233737 (VCV000233737.16), dbSNP rs876660608, ClinGen allele CA10578733.